The following is an entry in ClinVar:

NM_001164508.2(NEB):c.14125A>G (p.Thr4709Ala)

Gene: NEB (nebulin; minus strand). Cytogenetic location: 2q23.3.
Variant type: single nucleotide variant.
Coding change: c.14125A>G on transcript NM_001164508.2 (MANE Select); coding-DNA position 14125, A replaced by G.
Protein change: p.Thr4709Ala; replaces threonine 4709 with alanine.
Molecular consequence: missense variant. On other transcripts: intron variant (1).
Genome position (GRCh38, 1-based): chr2:151,596,140, T>C on the plus strand (A>G on the coding strand, the complement: NEB is on the minus strand). VCF-style: chr2-151596140-T-C. GRCh37 (hg19) VCF-style: chr2-152452654-T-C.
Other names: c.14125A>G, p.Thr4709Ala (NM_001164507.2, NM_001271208.2); c.11601+13669A>G (NM_004543.5); short protein forms T4709A.
Identifiers: ClinVar variation 4990123 (VCV004990123.1).

ClinVar aggregate classification (germline): Uncertain significance (1 of 4 stars; one submission).

Conditions:
NEB-related disorder. Also called: NEB-Related Disorders; NEB-related condition.

gnomAD v4.1: 2 of 1,104 alleles (0.18%); highest among the groups gnomAD compares: Admixed American, 0.85%; no homozygotes.

Submission:

PreventionGenetics, part of Exact Sciences
Classification: Uncertain significance for NEB-related condition. Last evaluated: 2025-10-27. Review status: criteria provided, single submitter. Criteria: ACMG Guidelines, 2015. Collection method: clinical testing. Allele origin: germline.
Comment: The NEB c.14125A>G variant is predicted to result in the amino acid substitution p.Thr4709Ala. To our knowledge, this variant has not been reported in the literature. This variant is reported in 1 of 76 alleles in individuals of Latino ancestry in gnomAD; however, the quality of this data is questionable and should be treated with caution. At this time, the clinical significance of this variant is uncertain due to the absence of conclusive functional and genetic evidence.